The following is an entry in ClinVar:

NM_001378328.1(CELSR1):c.1153A>G (p.Asn385Asp)

Gene: CELSR1 (cadherin EGF LAG seven-pass G-type receptor 1; minus strand). Cytogenetic location: 22q13.31.
Variant type: single nucleotide variant.
Coding change: c.1153A>G on transcript NM_001378328.1 (MANE Select); coding-DNA position 1153, A replaced by G.
Protein change: p.Asn385Asp; replaces asparagine 385 with aspartic acid.
Molecular consequence: missense variant.
Genome position (GRCh38, 1-based): chr22:46,536,018, T>C on the plus strand (A>G on the coding strand, the complement: CELSR1 is on the minus strand). VCF-style: chr22-46536018-T-C. GRCh37 (hg19) VCF-style: chr22-46931915-T-C.
Other names: c.1153A>G, p.Asn385Asp (NM_014246.4); short protein forms N385D.
Identifiers: ClinVar variation 3897092 (VCV003897092.1).
Genomic context (GRCh38, chr22:46,536,018, plus strand): 5'-TCTCGTTGAGCTGGAAGACGTCCCACGCGCCCCCCAACACGCGGTAACGCAAGTTGGCGT[T>C]GATGGGCGAGTCGCGGTCGCTGGCGCGGATGGTCAGCACCTCGTAGCCCACCTCCAGGTT-3'
Protein context (NP_001365257.1, residues 375-395): IRASDRDSPI[Asn385Asp]ANLRYRVLGG

ClinVar aggregate classification (germline): Uncertain significance (1 of 4 stars; one submission).

Submission:

GeneDx
Classification: Uncertain significance. Last evaluated: 2024-11-01. Review status: criteria provided, single submitter. Criteria: GeneDx Variant Classification Process June 2021. Collection method: clinical testing. Allele origin: germline. Affected: yes.
Comment: Not observed at significant frequency in large population cohorts (gnomAD); In silico analysis supports that this missense variant has a deleterious effect on protein structure/function; Has not been previously published as pathogenic or benign to our knowledge